The following is an entry in ClinVar:

ClinVar aggregate classification (germline): Likely benign. Review status: criteria provided, single submitter (1 of 4 stars). 2 submissions from 2 submitters: Likely benign (1). 1 of the submissions does not count toward it. Last evaluated 2025-10-09.

Conditions:
IMPG2-related disorder. Also called: IMPG2-related condition.

gnomAD v4.1: 2 of 1,612,284 alleles (0.00012%); highest among the groups gnomAD compares: Non-Finnish European, 0.00017%; no homozygotes.

Submissions (2):

Labcorp Genetics (formerly Invitae), Labcorp
Classification: Likely benign. Last evaluated: 2025-10-09. Review status: criteria provided, single submitter. Criteria: Invitae Variant Classification Sherloc (09022015). Collection method: clinical testing. Allele origin: germline.

PreventionGenetics, part of Exact Sciences
Classification: Likely benign for IMPG2-related condition. Last evaluated: 2024-09-25. Review status: no assertion criteria provided. Collection method: clinical testing. Allele origin: germline. Not counted in ClinVar's aggregate classification.
Comment: This variant is classified as likely benign based on ACMG/AMP sequence variant interpretation guidelines (Richards et al. 2015 PMID: 25741868, with internal and published modifications).

NM_016247.4(IMPG2):c.828+10T>G

Gene: IMPG2 (interphotoreceptor matrix proteoglycan 2; minus strand). Cytogenetic location: 3q12.3.
Variant type: single nucleotide variant.
Coding change: c.828+10T>G on transcript NM_016247.4 (MANE Select); 10 bases into the intron after coding-DNA position 828, T replaced by G.
Molecular consequence: intron variant.
Genome position (GRCh38, 1-based): chr3:101,273,571, A>C on the plus strand (T>G on the coding strand, the complement: IMPG2 is on the minus strand). VCF-style: chr3-101273571-A-C. GRCh37 (hg19) VCF-style: chr3-100992415-A-C.
Identifiers: ClinVar variation 3348536 (VCV003348536.2).